The following is an entry in ClinVar:

ClinVar aggregate classification (germline): Uncertain significance (1 of 4 stars; one submission).

Conditions:
DLGAP2-related disorder. Also called: DLGAP2-related condition.

gnomAD v4.1: 2 of 1,612,500 alleles (0.00012%); highest among the groups gnomAD compares: Admixed American, 0.0033%; no homozygotes.

Submission:

PreventionGenetics, part of Exact Sciences
Classification: Uncertain significance for DLGAP2-related condition. Last evaluated: 2026-02-05. Review status: criteria provided, single submitter. Criteria: ACMG Guidelines, 2015. Collection method: clinical testing. Allele origin: germline.
Comment: The DLGAP2 c.1400T>C variant is predicted to result in the amino acid substitution p.Leu467Pro. To our knowledge, this variant has not been reported in the literature. This variant is reported in 0.0029% of alleles in individuals of Latino descent in gnomAD. At this time, the clinical significance of this variant is uncertain due to the absence of conclusive functional and genetic evidence.

NM_001346810.2(DLGAP2):c.1400T>C (p.Leu467Pro)

Genes: DLGAP2 (DLG associated protein 2; plus strand), DLGAP2-AS1 (DLGAP2 antisense RNA 1; minus strand). Cytogenetic location: 8p23.3.
Variant type: single nucleotide variant.
Coding change: c.1400T>C on transcript NM_001346810.2 (MANE Select); coding-DNA position 1400, T replaced by C.
Protein change: p.Leu467Pro; replaces leucine 467 with proline.
Molecular consequence: missense variant.
Genome position (GRCh38, 1-based): chr8:1,565,852, T>C. VCF-style: chr8-1565852-T-C. GRCh37 (hg19) VCF-style: chr8-1514018-T-C.
Other names: short protein forms L467P.
Identifiers: ClinVar variation 4995373 (VCV004995373.1).